The following is an entry in ClinVar:

NM_000260.4(MYO7A):c.4084G>A (p.Val1362Met)

Gene: MYO7A (myosin VIIA; plus strand). Cytogenetic location: 11q13.5.
Variant type: single nucleotide variant.
Coding change: c.4084G>A on transcript NM_000260.4 (MANE Select); coding-DNA position 4084, G replaced by A.
Protein change: p.Val1362Met; replaces valine 1362 with methionine.
Molecular consequence: missense variant.
Genome position (GRCh38, 1-based): chr11:77,192,210, G>A. VCF-style: chr11-77192210-G-A. GRCh37 (hg19) VCF-style: chr11-76903255-G-A.
Other names: c.4084G>A, p.Val1362Met (NM_001127180.2); c.4051G>A, p.Val1351Met (NM_001369365.1); short protein forms V1362M, V1351M.
Identifiers: ClinVar variation 505836 (VCV000505836.8), dbSNP rs774773009, ClinGen allele CA6198314.

ClinVar aggregate classification (germline): Uncertain significance. Review status: criteria provided, multiple submitters, no conflicts (2 of 4 stars). 3 submissions from 3 submitters: Uncertain significance (2). 1 of the submissions does not count toward it. Last evaluated 2025-10-11.

Conditions:
Usher syndrome type 1B (USH1B). Also called: Usher syndrome type IB. Identifiers: MedGen C1848638, MONDO:0700087.

Allele frequency attached by ClinVar (database versions not stated): gnomAD exomes below 0.00001; ExAC 0.00001.

Submissions (3):

Labcorp Genetics (formerly Invitae), Labcorp
Classification: Uncertain significance. Last evaluated: 2025-10-11. Review status: criteria provided, single submitter. Criteria: Invitae Variant Classification Sherloc (09022015). Collection method: clinical testing. Allele origin: germline.
Comment: This sequence change replaces valine, which is neutral and non-polar, with methionine, which is neutral and non-polar, at codon 1362 of the MYO7A protein (p.Val1362Met). This variant is present in population databases (rs774773009, gnomAD 0.0009%). This variant has not been reported in the literature in individuals affected with MYO7A-related conditions. ClinVar contains an entry for this variant (Variation ID: 505836). Invitae Evidence Modeling of protein sequence and biophysical properties (such as structural, functional, and spatial information, amino acid conservation, physicochemical variation, residue mobility, and thermodynamic stability) has been performed for this missense variant. However, the output from this modeling did not meet the statistical confidence thresholds required to predict the impact of this variant on MYO7A protein function. In summary, the available evidence is currently insufficient to determine the role of this variant in disease. Therefore, it has been classified as a Variant of Uncertain Significance.

Laboratory for Molecular Medicine, Mass General Brigham Personalized Medicine
Classification: Uncertain significance. Last evaluated: 2017-05-31. Review status: criteria provided, single submitter. Criteria: LMM Criteria. Collection method: clinical testing. Allele origin: germline. Observed: 1 variant allele.
Comment: The p.Val1362Met variant in MYO7A has not been previously reported in individual s with hearing loss or Usher syndrome, but has been identified in 1/111692 Europ ean chromosomes by the Genome Aggregation Database (gnomAD; dbSNP rs774773009). Although this variant has been seen in the gen eral population, its frequency is not high enough to rule out a pathogenic role. Computational prediction tools and conservation analyses do not provide strong support for or against an impact to the protein. In summary, the clinical signif icance of the p.Val1362Met variant is uncertain.

Natera, Inc.
Classification: Uncertain significance for Usher syndrome type 1B. Last evaluated: 2021-03-15. Review status: no assertion criteria provided. Collection method: clinical testing. Allele origin: germline. Not counted in ClinVar's aggregate classification.